The following is an entry in ClinVar:

ClinVar aggregate classification (germline): Uncertain significance (1 of 4 stars; one submission).

Conditions:
Long QT syndrome (LQTS). Identifiers: MedGen C0023976, MeSH D008133, MONDO:0002442. Disease mechanism: loss of function. Inheritance: Various modes of inheritance.

Submission:

Labcorp Genetics (formerly Invitae), Labcorp
Classification: Uncertain significance for Long QT syndrome. Last evaluated: 2025-11-25. Review status: criteria provided, single submitter. Criteria: Invitae Variant Classification Sherloc (09022015). Collection method: clinical testing. Allele origin: germline.
Comment: This sequence change replaces aspartic acid, which is acidic and polar, with glutamic acid, which is acidic and polar, at codon 727 of the KCNH2 protein (p.Asp727Glu). This variant is not present in population databases (gnomAD no frequency). This variant has not been reported in the literature in individuals affected with KCNH2-related conditions. An algorithm developed to predict the effect of missense changes on protein structure and function (PolyPhen-2) suggests that this variant is likely to be disruptive. In summary, the available evidence is currently insufficient to determine the role of this variant in disease. Therefore, it has been classified as a Variant of Uncertain Significance.

NM_000238.4(KCNH2):c.2181C>G (p.Asp727Glu)

Gene: KCNH2 (potassium voltage-gated channel subfamily H member 2; minus strand). Cytogenetic location: 7q36.1.
Variant type: single nucleotide variant.
Coding change: c.2181C>G on transcript NM_000238.4 (MANE Select); coding-DNA position 2181, C replaced by G.
Protein change: p.Asp727Glu; replaces aspartic acid 727 with glutamic acid.
Molecular consequence: missense variant. On other transcripts: non-coding transcript variant (2).
Genome position (GRCh38, 1-based): chr7:150,950,385, G>C on the plus strand (C>G on the coding strand, the complement: KCNH2 is on the minus strand). VCF-style: chr7-150950385-G-C. GRCh37 (hg19) VCF-style: chr7-150647473-G-C.
Other names: c.1161C>G, p.Asp387Glu (NM_001204798.2, NM_172057.3); c.1893C>G, p.Asp631Glu (NM_001406753.1, NM_001406756.1); c.2004C>G, p.Asp668Glu (NM_001406755.1); c.1881C>G, p.Asp627Glu (NM_001406757.1); c.2181C>G, p.Asp727Glu (NM_172056.3); short protein forms D668E, D387E, D627E, D631E, D727E.
Identifiers: ClinVar variation 4743309 (VCV004743309.1).